The following is an entry in ClinVar:

NM_144701.3(IL23R):c.1689A>G (p.Ile563Met)

Gene: IL23R (interleukin 23 receptor; plus strand). Cytogenetic location: 1p31.3.
Variant type: single nucleotide variant.
Coding change: c.1689A>G on transcript NM_144701.3 (MANE Select); coding-DNA position 1689, A replaced by G.
Protein change: p.Ile563Met; replaces isoleucine 563 with methionine.
Molecular consequence: missense variant.
Genome position (GRCh38, 1-based): chr1:67,258,927, A>G. VCF-style: chr1-67258927-A-G. GRCh37 (hg19) VCF-style: chr1-67724610-A-G.
Other names: short protein forms I563M.
Identifiers: ClinVar variation 1425047 (VCV001425047.7), dbSNP rs113943721, ClinGen allele CA900046.

ClinVar aggregate classification (germline): Uncertain significance. Review status: criteria provided, multiple submitters, no conflicts (2 of 4 stars). 2 submissions from 2 submitters: Uncertain significance (2). Last evaluated 2024-10-05.

Allele frequency attached by ClinVar (database versions not stated): gnomAD 0.00002 and 0.00003; gnomAD exomes 0.00002 and 0.00004; ExAC 0.00005; TOPMed 0.00006; ESP Exome Variant Server 0.00015.
gnomAD v4.1: 38 of 1,613,976 alleles (0.0024%); highest among the groups gnomAD compares: Middle Eastern, 0.082%; no homozygotes.

Submissions (2):

Labcorp Genetics (formerly Invitae), Labcorp
Classification: Uncertain significance. Last evaluated: 2024-10-05. Review status: criteria provided, single submitter. Criteria: Invitae Variant Classification Sherloc (09022015). Collection method: clinical testing. Allele origin: germline.
Comment: This sequence change replaces isoleucine, which is neutral and non-polar, with methionine, which is neutral and non-polar, at codon 563 of the IL23R protein (p.Ile563Met). This variant is present in population databases (rs113943721, gnomAD 0.01%). This variant has not been reported in the literature in individuals affected with IL23R-related conditions. ClinVar contains an entry for this variant (Variation ID: 1425047). An algorithm developed to predict the effect of missense changes on protein structure and function outputs the following: PolyPhen-2: "Benign". The methionine amino acid residue is found in multiple mammalian species, which suggests that this missense change does not adversely affect protein function. In summary, the available evidence is currently insufficient to determine the role of this variant in disease. Therefore, it has been classified as a Variant of Uncertain Significance.

Breakthrough Genomics
Classification: Uncertain significance. Review status: criteria provided, single submitter. Criteria: ACMG Guidelines, 2015. Collection method: not provided. Allele origin: germline. Inheritance: Unknown mechanism. Affected: yes.